The following is an entry in ClinVar:

ClinVar aggregate classification (germline): Uncertain significance. Review status: criteria provided, multiple submitters, no conflicts (2 of 4 stars). 2 submissions from 2 submitters: Uncertain significance (2). Last evaluated 2024-09-03.

Conditions:
Hereditary cancer-predisposing syndrome. Also called: Hereditary neoplastic syndrome; Neoplastic Syndromes, Hereditary; Tumor predisposition; Hereditary Cancer Syndrome. Identifiers: Orphanet 140162, MedGen C0027672, MeSH D009386, MONDO:0015356.
Tuberous sclerosis 2 (TSC2). Identifiers: Orphanet 805, MedGen C1860707, MONDO:0013199, OMIM 613254.

Allele frequency attached by ClinVar (database versions not stated): gnomAD exomes below 0.00001.
gnomAD v4.1: 1 of 1,613,642 alleles (0.000062%); highest among the groups gnomAD compares: Non-Finnish European, 0.000085%; no homozygotes.

Submissions (2):

Labcorp Genetics (formerly Invitae), Labcorp
Classification: Uncertain significance for Tuberous sclerosis 2. Last evaluated: 2024-09-03. Review status: criteria provided, single submitter. Criteria: Invitae Variant Classification Sherloc (09022015). Collection method: clinical testing. Allele origin: germline.
Comment: This sequence change replaces glycine, which is neutral and non-polar, with serine, which is neutral and polar, at codon 743 of the TSC2 protein (p.Gly743Ser). This variant is not present in population databases (gnomAD no frequency). This variant has not been reported in the literature in individuals affected with TSC2-related conditions. ClinVar contains an entry for this variant (Variation ID: 467931). Invitae Evidence Modeling of protein sequence and biophysical properties (such as structural, functional, and spatial information, amino acid conservation, physicochemical variation, residue mobility, and thermodynamic stability) indicates that this missense variant is not expected to disrupt TSC2 protein function with a negative predictive value of 95%. RNA analysis performed to evaluate the impact of this missense change on mRNA splicing indicates it does not significantly alter splicing (Internal data). In summary, the available evidence is currently insufficient to determine the role of this variant in disease. Therefore, it has been classified as a Variant of Uncertain Significance.

Ambry Genetics
Classification: Uncertain significance for Hereditary cancer-predisposing syndrome. Last evaluated: 2023-09-11. Review status: criteria provided, single submitter. Criteria: Ambry Variant Classification Scheme 2023. Collection method: clinical testing. Allele origin: germline.
Comment: The p.G743S variant (also known as c.2227G>A), located in coding exon 20 of the TSC2 gene, results from a G to A substitution at nucleotide position 2227. The glycine at codon 743 is replaced by serine, an amino acid with similar properties. This amino acid position is not well conserved in available vertebrate species. In addition, the in silico prediction for this alteration is inconclusive. Since supporting evidence is limited at this time, the clinical significance of this alteration remains unclear.

NM_000548.5(TSC2):c.2227G>A (p.Gly743Ser)

Gene: TSC2 (TSC complex subunit 2; plus strand). Cytogenetic location: 16p13.3.
Variant type: single nucleotide variant.
Coding change: c.2227G>A on transcript NM_000548.5 (MANE Select); coding-DNA position 2227, G replaced by A.
Protein change: p.Gly743Ser; replaces glycine 743 with serine.
Molecular consequence: missense variant.
Genome position (GRCh38, 1-based): chr16:2,072,855, G>A. VCF-style: chr16-2072855-G-A. GRCh37 (hg19) VCF-style: chr16-2122856-G-A.
Other names: c.2227G>A, p.Gly743Ser (NM_001077183.3, NM_001114382.3, NM_001363528.2 and 3 more transcripts); c.2116G>A, p.Gly706Ser (NM_001318827.2); c.2080G>A, p.Gly694Ser (NM_001318829.2); c.1627G>A, p.Gly543Ser (NM_001318831.2); c.2260G>A, p.Gly754Ser (NM_001318832.2); short protein forms G743S, G543S, G694S, G706S, G754S.
Identifiers: ClinVar variation 467931 (VCV000467931.10), dbSNP rs1555506852, ClinGen allele CA394276200.